The following is an entry in ClinVar:

NM_001083962.2(TCF4):c.443A>T (p.Tyr148Phe)

Gene: TCF4 (transcription factor 4; minus strand). Cytogenetic location: 18q21.2.
Variant type: single nucleotide variant.
Coding change: c.443A>T on transcript NM_001083962.2 (MANE Select); coding-DNA position 443, A replaced by T.
Protein change: p.Tyr148Phe; replaces tyrosine 148 with phenylalanine.
Molecular consequence: missense variant.
Genome position (GRCh38, 1-based): chr18:55,350,930, T>A on the plus strand (A>T on the coding strand, the complement: TCF4 is on the minus strand). VCF-style: chr18-55350930-T-A. GRCh37 (hg19) VCF-style: chr18-53018161-T-A.
Other names: c.317A>T, p.Tyr106Phe (NM_001348211.2, NM_001243231.2); c.53A>T, p.Tyr18Phe (NM_001348212.2, NM_001348213.2, NM_001243233.2 and 1 more transcripts); c.371A>T, p.Tyr124Phe (NM_001348217.1, NM_001348218.2, NM_001348219.2 and 9 more transcripts); c.368A>T, p.Tyr123Phe (NM_001348220.1, NM_001369576.1, NM_001369578.1 and 3 more transcripts); c.443A>T, p.Tyr148Phe (NM_001369567.1, NM_001369568.1, NM_001369571.1 and 5 more transcripts); c.440A>T, p.Tyr147Phe (NM_001369569.1, NM_001369570.1, NM_001369573.1); c.749A>T, p.Tyr250Phe (NM_001243226.3); c.437A>T, p.Tyr146Phe (NM_001243230.2); and 1 more; short protein forms Y106F, Y123F, Y124F, Y146F, Y147F, Y148F, Y18F, Y250F.
Identifiers: ClinVar variation 2575696 (VCV002575696.1), dbSNP rs1340987314, ClinGen allele CA402702574.

ClinVar aggregate classification (germline): Uncertain significance (1 of 4 stars; one submission).

Allele frequency attached by ClinVar (database versions not stated): gnomAD exomes below 0.00001.
gnomAD v4.1: 1 of 1,613,660 alleles (0.000062%); highest among the groups gnomAD compares: Admixed American, 0.0017%; no homozygotes.

Submission:

GeneDx
Classification: Uncertain significance. Last evaluated: 2023-02-13. Review status: criteria provided, single submitter. Criteria: GeneDx Variant Classification Process June 2021. Collection method: clinical testing. Allele origin: germline. Affected: yes.
Comment: In silico analysis supports that this missense variant does not alter protein structure/function; Has not been previously published as pathogenic or benign to our knowledge